The following is an entry in ClinVar:

NM_000554.6(CRX):c.586del (p.Ala196fs)

Gene: CRX (cone-rod homeobox; plus strand). Cytogenetic location: 19q13.33.
Variant type: Deletion.
Coding change: c.586del on transcript NM_000554.6 (MANE Select); coding-DNA position 586, one base deleted (G; older notation c.586delG).
Protein change: p.Ala196fs; shifts the reading frame from alanine 196.
Molecular consequence: frameshift variant.
Genome position (GRCh38, 1-based): chr19:47,839,653, G deleted. VCF-style (leftmost placement, unchanged base first): chr19-47839652-CG-C. GRCh37 (hg19) VCF-style: chr19-48342909-CG-C.
Other names: short protein forms A196fs.
Identifiers: ClinVar variation 867219 (VCV000867219.4), dbSNP rs1968169004, ClinGen allele CA916083702.

ClinVar aggregate classification (germline): Pathogenic/Likely pathogenic. Review status: criteria provided, multiple submitters, no conflicts (2 of 4 stars). 2 submissions from 2 submitters: Pathogenic (1); Likely pathogenic (1). Last evaluated 2025-01-11.

Conditions:
Leber congenital amaurosis 7 (LCA7). Identifiers: Orphanet 65, MedGen C3151192, MONDO:0013449, OMIM 613829.
Cone-rod dystrophy 2 (CORD2). Also called: CONE-ROD RETINAL DYSTROPHY; Cone-rod retinal dystrophy 2. Identifiers: Orphanet 1872, MedGen C3489532, MONDO:0007362, OMIM 120970.
CRX-related disorders.

Submissions (2):

Labcorp Genetics (formerly Invitae), Labcorp
Classification: Pathogenic for Cone-rod dystrophy 2; Leber congenital amaurosis 7. Last evaluated: 2025-01-11. Review status: criteria provided, single submitter. Criteria: Invitae Variant Classification Sherloc (09022015). Collection method: clinical testing. Allele origin: germline.
Comment: This sequence change creates a premature translational stop signal (p.Ala196Profs*23) in the CRX gene. While this is not anticipated to result in nonsense mediated decay, it is expected to disrupt the last 104 amino acid(s) of the CRX protein. This variant is not present in population databases (gnomAD no frequency). This variant has not been reported in the literature in individuals affected with CRX-related conditions. ClinVar contains an entry for this variant (Variation ID: 867219). This variant disrupts a region of the CRX protein in which other variant(s) (p.Gln256*) have been determined to be pathogenic (PMID: 26682157, 28945142, 37734845; internal data). This suggests that this is a clinically significant region of the protein, and that variants that disrupt it are likely to be disease-causing. For these reasons, this variant has been classified as Pathogenic.

Blueprint Genetics
Classification: Likely pathogenic for CRX-related disorders. Last evaluated: 2019-08-09. Review status: criteria provided, single submitter. Criteria: ACMG Guidelines, 2015. Collection method: clinical testing. Allele origin: germline. Affected: yes. Observed: 1 variant allele.

Literature cited by the submitters: PubMed 26682157 (cited by Labcorp Genetics (formerly Invitae), Labcorp); PubMed 28945142 (cited by Labcorp Genetics (formerly Invitae), Labcorp); PubMed 37734845 (cited by Labcorp Genetics (formerly Invitae), Labcorp).